The following is an entry in ClinVar:

ClinVar aggregate classification (germline): Likely benign (1 of 4 stars; one submission).

Allele frequency attached by ClinVar (database versions not stated): ExAC 0.00001.

Submission:

CeGaT Center for Human Genetics Tuebingen
Classification: Likely benign. Last evaluated: 2023-04-01. Review status: criteria provided, single submitter. Criteria: CeGaT Center For Human Genetics Tuebingen Variant Classification Criteria Version 2. Collection method: clinical testing. Allele origin: germline. Affected: yes. Observed: 1 variant allele.
Comment: ARHGAP4: BP4, BP7

NM_001666.5(ARHGAP4):c.864G>A (p.Thr288=)

Gene: ARHGAP4 (Rho GTPase activating protein 4; minus strand). Cytogenetic location: Xq28.
Variant type: single nucleotide variant.
Coding change: c.864G>A on transcript NM_001666.5 (MANE Select); coding-DNA position 864, G replaced by A.
Protein change: p.Thr288=; no amino-acid change (threonine 288 retained).
Molecular consequence: synonymous variant.
Genome position (GRCh38, 1-based): chrX:153,919,000, C>T on the plus strand (G>A on the coding strand, the complement: ARHGAP4 is on the minus strand). VCF-style: chrX-153919000-C-T. GRCh37 (hg19) VCF-style: chrX-153184454-C-T.
Other names: c.984G>A, p.Thr328= (NM_001164741.2).
Identifiers: ClinVar variation 2661758 (VCV002661758.24), dbSNP rs781843809, ClinGen allele CA10555828.
Genomic context (GRCh38, chrX:153,919,000, plus strand): 5'-AGCTTCTTCCAGGCTGCCCAGGCCCTGCACTTGGGAGGCTTGGGTGCGGCTCTCAGCGGC[C>T]GTGTAGCTCCGGAGCACCTGCCCCAGGGCCAGGTGGAACCCTGTGTCACAGCACTGAGGA-3'
Protein context (NP_001657.3, residues 278-298): LALGQVLRSY[Thr288=]AAESRTQASQ